The following is an entry in ClinVar:

NM_001098629.3(IRF5):c.1512G>C (p.Gly504=)

Gene: IRF5 (interferon regulatory factor 5; plus strand). Cytogenetic location: 7q32.1.
Variant type: single nucleotide variant.
Coding change: c.1512G>C on transcript NM_001098629.3 (MANE Select); coding-DNA position 1512, G replaced by C.
Protein change: p.Gly504=; no amino-acid change (glycine 504 retained).
Molecular consequence: synonymous variant.
Genome position (GRCh38, 1-based): chr7:128,948,785, G>C. VCF-style: chr7-128948785-G-C. GRCh37 (hg19) VCF-style: chr7-128588839-G-C.
Other names: c.1464G>C, p.Gly488= (NM_001098627.4, NM_001098630.3, NM_032643.5); c.1206G>C, p.Gly402= (NM_001242452.3); c.1512G>C, p.Gly504= (NM_001347928.2, NM_001364314.2).
Identifiers: ClinVar variation 4873025 (VCV004873025.2).

ClinVar aggregate classification (germline): Likely benign (1 of 4 stars; one submission).

Submission:

CeGaT Center for Human Genetics Tuebingen
Classification: Likely benign. Last evaluated: 2026-06-01. Review status: criteria provided, single submitter. Criteria: CeGaT Center For Human Genetics Tuebingen Variant Classification Criteria Version 2. Collection method: clinical testing. Allele origin: germline. Affected: yes. Observed: 2 variant alleles.
Comment: IRF5: PM2:Supporting, BP4, BP7